The following is an entry in ClinVar:

NM_000069.3(CACNA1S):c.2893G>C (p.Glu965Gln)

Gene: CACNA1S (calcium voltage-gated channel subunit alpha1 S; minus strand). Cytogenetic location: 1q32.1.
Variant type: single nucleotide variant.
Coding change: c.2893G>C on transcript NM_000069.3 (MANE Select); coding-DNA position 2893, G replaced by C.
Protein change: p.Glu965Gln; replaces glutamic acid 965 with glutamine.
Molecular consequence: missense variant.
Genome position (GRCh38, 1-based): chr1:201,062,475, C>G on the plus strand (G>C on the coding strand, the complement: CACNA1S is on the minus strand). VCF-style: chr1-201062475-C-G. GRCh37 (hg19) VCF-style: chr1-201031603-C-G.
Other names: short protein forms E965Q.
Identifiers: ClinVar variation 3070863 (VCV003070863.2), dbSNP rs762350071, ClinGen allele CA079363.

ClinVar aggregate classification (germline): Uncertain significance (1 of 4 stars; one submission).

Conditions:
Malignant hyperthermia, susceptibility to, 5 (MHS5). Also called: CACNA1S-Related Malignant Hyperthermia Susceptibility. Identifiers: Orphanet 423, MedGen C1866077, MONDO:0011163, OMIM 601887.

Allele frequency attached by ClinVar (database versions not stated): ExAC 0.00001; gnomAD exomes 0.00002; gnomAD 0.00005.
gnomAD v4.1: 30 of 1,613,262 alleles (0.0019%); highest among the groups gnomAD compares: Non-Finnish European, 0.00042%; no homozygotes.

Submission:

All of Us Research Program, National Institutes of Health
Classification: Uncertain significance for Malignant hyperthermia, susceptibility to, 5. Last evaluated: 2024-09-23. Review status: criteria provided, single submitter. Criteria: ACMG Guidelines, 2015. Collection method: clinical testing. Allele origin: germline. Inheritance: Autosomal dominant inheritance. Observed: 2 variant alleles, 2 heterozygotes.
Comment: This missense variant replaces glutamic acid with glutamine at codon 965 of the CACNA1S protein. Computational prediction suggests that this variant may not impact protein structure and function (internally defined REVEL score threshold <= 0.5, PMID: 27666373). To our knowledge, functional studies have not been reported for this variant. This variant has not been reported in individuals affected with CACNA1S-related disorders in the literature. This variant has been identified in 9/282776 chromosomes in the general population by the Genome Aggregation Database (gnomAD). The available evidence is insufficient to determine the role of this variant in disease conclusively. Therefore, this variant is classified as a Variant of Uncertain Significance.

This study involves interpretation of variants in research participants for the purpose of population health screening. Participant phenotype was not available at the time of variant classification. Additional details can be found in publication PMID: 35346344, PMCID: PMC8962531